The following is an entry in ClinVar:

ClinVar aggregate classification (germline): Likely benign. Review status: criteria provided, multiple submitters, no conflicts (2 of 4 stars). 5 submissions from 5 submitters: Likely benign (4). 1 of the submissions does not count toward it. Last evaluated 2026-01-29.

Conditions:
ARHGEF1-related disorder. Also called: ARHGEF1-related condition.

Allele frequency attached by ClinVar (database versions not stated): ESP Exome Variant Server 0.00008; gnomAD 0.00016 and 0.00019; TOPMed 0.00022; gnomAD exomes 0.00027 and 0.00047; ExAC 0.00046; 1000 Genomes Project 30x 0.00047; 1000 Genomes Project 0.00060.
gnomAD v4.1: 445 of 1,612,594 alleles (0.028%); highest among the groups gnomAD compares: Middle Eastern, 0.78%; 3 homozygotes.

Submissions (5):

Labcorp Genetics (formerly Invitae), Labcorp
Classification: Likely benign. Last evaluated: 2026-01-29. Review status: criteria provided, single submitter. Criteria: Invitae Variant Classification Sherloc (09022015). Collection method: clinical testing. Allele origin: germline.

CeGaT Center for Human Genetics Tuebingen
Classification: Likely benign. Last evaluated: 2024-12-01. Review status: criteria provided, single submitter. Criteria: CeGaT Center For Human Genetics Tuebingen Variant Classification Criteria Version 2. Collection method: clinical testing. Allele origin: germline. Affected: yes. Observed: 1 variant allele.
Comment: ARHGEF1: BP4, BP7

Blueprint Genetics
Classification: Likely benign. Last evaluated: 2024-11-24. Review status: criteria provided, single submitter. Criteria: ACMG Guidelines, 2015. Collection method: clinical testing. Allele origin: germline.

Breakthrough Genomics
Classification: Likely benign. Review status: criteria provided, single submitter. Criteria: ACMG Guidelines, 2015. Collection method: not provided. Allele origin: germline. Inheritance: Autosomal recessive inheritance. Affected: yes.

PreventionGenetics, part of Exact Sciences
Classification: Likely benign for ARHGEF1-related condition. Last evaluated: 2023-09-27. Review status: no assertion criteria provided. Collection method: clinical testing. Allele origin: germline. Not counted in ClinVar's aggregate classification.
Comment: This variant is classified as likely benign based on ACMG/AMP sequence variant interpretation guidelines (Richards et al. 2015 PMID: 25741868, with internal and published modifications).

NM_004706.4(ARHGEF1):c.918G>A (p.Gly306=)

Gene: ARHGEF1 (Rho guanine nucleotide exchange factor 1; plus strand). Cytogenetic location: 19q13.2.
Variant type: single nucleotide variant.
Coding change: c.918G>A on transcript NM_004706.4 (MANE Select); coding-DNA position 918, G replaced by A.
Protein change: p.Gly306=; no amino-acid change (glycine 306 retained).
Molecular consequence: synonymous variant.
Genome position (GRCh38, 1-based): chr19:41,895,389, G>A. VCF-style: chr19-41895389-G-A. GRCh37 (hg19) VCF-style: chr19-42399462-G-A.
Other names: c.819G>A, p.Gly273= (NM_198977.2); c.963G>A, p.Gly321= (NM_199002.2); c.963G>A (NM_199002.1).
Identifiers: ClinVar variation 1118742 (VCV001118742.26), dbSNP rs181351585, ClinGen allele CA9466117.
Genomic context (GRCh38, chr19:41,895,389, plus strand): 5'-CTCCCTCACTGTCTCCCCAGCCGAGAAGCCAGGTGCTACAGACCGGAAGGGAGGCGTGGG[G>A]ATGCCCTCTCGGGACCGGAATATCGGGGCTCCTGGGCAGGACACCCCTGGAGTCTCTCTG-3'
Protein context (NP_004697.2, residues 296-316): PGATDRKGGV[Gly306=]MPSRDRNIGA